The following is an entry in ClinVar:

NM_002485.5(NBN):c.1413A>C (p.Glu471Asp)

Gene: NBN (nibrin; minus strand). Cytogenetic location: 8q21.3.
Variant type: single nucleotide variant.
Coding change: c.1413A>C on transcript NM_002485.5 (MANE Select); coding-DNA position 1413, A replaced by C.
Protein change: p.Glu471Asp; replaces glutamic acid 471 with aspartic acid.
Molecular consequence: missense variant.
Genome position (GRCh38, 1-based): chr8:89,953,676, T>G on the plus strand (A>C on the coding strand, the complement: NBN is on the minus strand). VCF-style: chr8-89953676-T-G. GRCh37 (hg19) VCF-style: chr8-90965904-T-G.
Other names: c.1167A>C, p.Glu389Asp (NM_001024688.3); short protein forms E471D, E389D.
Identifiers: ClinVar variation 492097 (VCV000492097.10), dbSNP rs1554558584, ClinGen allele CA371655905.

ClinVar aggregate classification (germline): Uncertain significance (1 of 4 stars; one submission).

Conditions:
Microcephaly, normal intelligence and immunodeficiency (NBS). Also called: BERLIN BREAKAGE SYNDROME; Ataxia telangiectasia variant V1; IMMUNODEFICIENCY, MICROCEPHALY, AND CHROMOSOMAL INSTABILITY; SEEMANOVA SYNDROME II; Immunodeficiency, microcephaly with normal intelligence; Nijmegen breakage syndrome. Identifiers: Orphanet 647, MedGen C0398791, MONDO:0009623, OMIM 251260.

Submission:

Labcorp Genetics (formerly Invitae), Labcorp
Classification: Uncertain significance for Microcephaly, normal intelligence and immunodeficiency. Last evaluated: 2021-11-01. Review status: criteria provided, single submitter. Criteria: Invitae Variant Classification Sherloc (09022015). Collection method: clinical testing. Allele origin: germline.
Comment: In summary, the available evidence is currently insufficient to determine the role of this variant in disease. Therefore, it has been classified as a Variant of Uncertain Significance. Algorithms developed to predict the effect of missense changes on protein structure and function (SIFT, PolyPhen-2, Align-GVGD) all suggest that this variant is likely to be tolerated. ClinVar contains an entry for this variant (Variation ID: 492097). This variant has not been reported in the literature in individuals affected with NBN-related conditions. This variant is not present in population databases (gnomAD no frequency). This sequence change replaces glutamic acid, which is acidic and polar, with aspartic acid, which is acidic and polar, at codon 471 of the NBN protein (p.Glu471Asp).